The following is an entry in ClinVar:

ClinVar aggregate classification (germline): Benign/Likely benign. Review status: criteria provided, multiple submitters, no conflicts (2 of 4 stars). 10 submissions from 10 submitters: Benign (8); Likely benign (1). 1 of the submissions does not count toward it. Last evaluated 2026-02-01.

Conditions:
H syndrome. Also called: Histiocytosis with joint contractures and sensorineural deafness; FAISALABAD HISTIOCYTOSIS; HISTIOCYTOSIS AND LYMPHADENOPATHY WITH OR WITHOUT CUTANEOUS, CARDIAC, AND/OR ENDOCRINE FEATURES, JOINT CONTRACTURES, AND/OR DEAFNESS; HYPERPIGMENTATION, CUTANEOUS, WITH HYPERTRICHOSIS, HEPATOSPLENOMEGALY, HEART ANOMALIES, AND HYPOGONADISM WITH OR WITHOUT HEARING LOSS; PIGMENTED HYPERTRICHOSIS WITH INSULIN-DEPENDENT DIABETES MELLITUS; ROSAI-DORFMAN DISEASE, FAMILIAL. Identifiers: Orphanet 168569, MedGen C1864445, MONDO:0011273, OMIM 602782.

Allele frequency attached by ClinVar (database versions not stated): 1000 Genomes Project 0.78075; 1000 Genomes Project 30x 0.78701; gnomAD exomes 0.82467 and 0.86841; ExAC 0.82940; TOPMed 0.85958; gnomAD 0.86524 and 0.87276; ESP Exome Variant Server 0.88905.
gnomAD v4.1: 1,401,203 of 1,613,602 alleles (87%); highest among the groups gnomAD compares: Middle Eastern, 91%; 612,137 homozygotes.

Submissions (10):

Labcorp Genetics (formerly Invitae), Labcorp
Classification: Benign for H syndrome. Last evaluated: 2026-02-01. Review status: criteria provided, single submitter. Criteria: Invitae Variant Classification Sherloc (09022015). Collection method: clinical testing. Allele origin: germline.

Women's Health and Genetics/Laboratory Corporation of America, LabCorp
Classification: Benign. Last evaluated: 2026-01-22. Review status: criteria provided, single submitter. Criteria: LabCorp Variant Classification Summary - May 2015. Collection method: clinical testing. Allele origin: germline.

Blueprint Genetics
Classification: Likely benign. Last evaluated: 2024-11-27. Review status: criteria provided, single submitter. Criteria: ACMG Guidelines, 2015. Collection method: clinical testing. Allele origin: germline.

Unidad de Genómica Garrahan, Hospital de Pediatría Garrahan
Classification: Benign. Last evaluated: 2023-11-12. Review status: criteria provided, single submitter. Criteria: ACMG Guidelines, 2015. Collection method: clinical testing. Allele origin: germline. Affected: no. Observed: 90 variant alleles.
Comment: This variant is classified as Benign based on local population frequency. This variant was detected in 94% of patients studied by a panel of primary immunodeficiencies. Number of patients: 90. Only high quality variants are reported.

Mayo Clinic Laboratories, Mayo Clinic
Classification: Benign. Last evaluated: 2022-11-10. Review status: criteria provided, single submitter. Criteria: ACMG Guidelines, 2015. Collection method: clinical testing. Allele origin: germline. Observed: 488 variant alleles.

Genome-Nilou Lab
Classification: Benign for H syndrome. Last evaluated: 2021-07-15. Review status: criteria provided, single submitter. Criteria: ACMG Guidelines, 2015. Collection method: clinical testing. Allele origin: germline. Affected: no.

GeneDx
Classification: Benign. Last evaluated: 2020-10-21. Review status: criteria provided, single submitter. Criteria: GeneDx Variant Classification Process June 2021. Collection method: clinical testing. Allele origin: germline. Affected: yes.

Illumina Laboratory Services, Illumina
Classification: Benign for H syndrome. Last evaluated: 2018-01-13. Review status: criteria provided, single submitter. Criteria: ICSL Variant Classification Criteria 13 December 2019. Collection method: clinical testing. Allele origin: germline.
Comment: This variant was observed in the ICSL laboratory as part of a predisposition screen in an ostensibly healthy population. It had not been previously curated by ICSL or reported in the Human Gene Mutation Database (HGMD: prior to June 1st, 2018), and was therefore a candidate for classification through an automated scoring system. Utilizing variant allele frequency, disease prevalence and penetrance estimates, and inheritance mode, an automated score was calculated to assess if this variant is too frequent to cause the disease. Based on the score and internal cut-off values, a variant classified as benign is not then subjected to further curation. The score for this variant resulted in a classification of benign for this disease.

Breakthrough Genomics
Classification: Benign. Review status: criteria provided, single submitter. Criteria: ACMG Guidelines, 2015. Collection method: not provided. Allele origin: germline. Inheritance: Autosomal recessive inheritance. Affected: yes.

Genetic Services Laboratory, University of Chicago
Classification: Likely benign for AllHighlyPenetrant. Review status: no assertion criteria provided. Collection method: clinical testing. Allele origin: germline. Inheritance: Autosomal recessive inheritance. Not counted in ClinVar's aggregate classification.
Comment: Likely benign based on allele frequency in 1000 Genomes Project or ESP global frequency and its presence in a patient with a rare or unrelated disease phenotype. NOT Sanger confirmed.

NM_018344.6(SLC29A3):c.714T>C (p.Thr238=)

Gene: SLC29A3 (solute carrier family 29 member 3; plus strand). Cytogenetic location: 10q22.1.
Variant type: single nucleotide variant.
Coding change: c.714T>C on transcript NM_018344.6 (MANE Select); coding-DNA position 714, T replaced by C.
Protein change: p.Thr238=; no amino-acid change (threonine 238 retained).
Molecular consequence: synonymous variant. On other transcripts: non-coding transcript variant (2).
Genome position (GRCh38, 1-based): chr10:71,356,184, T>C. VCF-style: chr10-71356184-T-C. GRCh37 (hg19) VCF-style: chr10-73115941-T-C.
Other names: p.Thr238=; c.714T>C, p.Thr238= (NM_001174098.2); c.480T>C, p.Thr160= (NM_001363518.2).
Identifiers: ClinVar variation 130343 (VCV000130343.27), dbSNP rs2252997, ClinGen allele CA155244.